The following is an entry in ClinVar:

NM_000103.4(CYP19A1):c.*2723A>G

Genes: MIR4713HG (MIR4713 host gene; plus strand), CYP19A1 (cytochrome P450 family 19 subfamily A member 1; minus strand), PIRC66 (piwi-interacting RNA cluster 66; plus strand). Cytogenetic location: 15q21.2.
Variant type: single nucleotide variant.
Coding change: c.*2723A>G on transcript NM_000103.4 (MANE Select); 2723 bases downstream of the stop codon, A replaced by G.
Molecular consequence: 3 prime UTR variant.
Genome position (GRCh38, 1-based): chr15:51,208,085, T>C on the plus strand (A>G on the coding strand, the complement: CYP19A1 is on the minus strand). VCF-style: chr15-51208085-T-C. GRCh37 (hg19) VCF-style: chr15-51500282-T-C.
Other names: c.*2723A>G (NM_001347248.1, NM_001347249.2, NM_001347250.2 and 7 more transcripts).
Identifiers: ClinVar variation 887214 (VCV000887214.4), dbSNP rs2289104, ClinGen allele CA270547310.
Genomic context (GRCh38, chr15:51,208,085, plus strand): 5'-ACTGAAAGCATCATACGCTCCATTTGACTTACTACTTTGACAAGGTTTAATTAGTATGTC[T>C]TTCTGCAAGAATAGGTGAGAGATTCAGTCCCAGAGCCCAGCTGATATAGATTGAAAAGGG-3'

ClinVar aggregate classification (germline): Benign (1 of 4 stars; one submission).

Conditions:
Aromatase deficiency. Also called: Increased aromatase activity; PSEUDOHERMAPHRODITISM, FEMALE, DUE TO PLACENTAL AROMATASE DEFICIENCY. Identifiers: Orphanet 91, MedGen C1960539, MONDO:0013301, OMIM 613546.

Allele frequency attached by ClinVar (database versions not stated): gnomAD 0.00409 and 0.00413; 1000 Genomes Project 0.00519; 1000 Genomes Project 30x 0.00671; TOPMed 0.00713.

Submission:

Illumina Laboratory Services, Illumina
Classification: Benign for Aromatase deficiency. Last evaluated: 2018-01-13. Review status: criteria provided, single submitter. Criteria: ICSL Variant Classification Criteria 13 December 2019. Collection method: clinical testing. Allele origin: germline.
Comment: This variant was observed in the ICSL laboratory as part of a predisposition screen in an ostensibly healthy population. It had not been previously curated by ICSL or reported in the Human Gene Mutation Database (HGMD: prior to June 1st, 2018), and was therefore a candidate for classification through an automated scoring system. Utilizing variant allele frequency, disease prevalence and penetrance estimates, and inheritance mode, an automated score was calculated to assess if this variant is too frequent to cause the disease. Based on the score and internal cut-off values, a variant classified as benign is not then subjected to further curation. The score for this variant resulted in a classification of benign for this disease.